The following is an entry in ClinVar:

NM_017671.5(FERMT1):c.1397C>T (p.Ala466Val)

Gene: FERMT1 (FERM domain containing kindlin 1; minus strand). Cytogenetic location: 20p12.3.
Variant type: single nucleotide variant.
Coding change: c.1397C>T on transcript NM_017671.5 (MANE Select); coding-DNA position 1397, C replaced by T.
Protein change: p.Ala466Val; replaces alanine 466 with valine.
Molecular consequence: missense variant.
Genome position (GRCh38, 1-based): chr20:6,085,262, G>A on the plus strand (C>T on the coding strand, the complement: FERMT1 is on the minus strand). VCF-style: chr20-6085262-G-A. GRCh37 (hg19) VCF-style: chr20-6065909-G-A.
Other names: short protein forms A466V.
Identifiers: ClinVar variation 1396440 (VCV001396440.7), dbSNP rs777735943, ClinGen allele CA9758142.

ClinVar aggregate classification (germline): Uncertain significance (1 of 4 stars; one submission).

Allele frequency attached by ClinVar (database versions not stated): gnomAD 0.00001 and 0.00002; gnomAD exomes 0.00001 and 0.00002; TOPMed 0.00003; ExAC 0.00004.
gnomAD v4.1: 20 of 1,613,680 alleles (0.0012%); highest among the groups gnomAD compares: Middle Eastern, 0.034%; no homozygotes.

Submission:

Labcorp Genetics (formerly Invitae), Labcorp
Classification: Uncertain significance. Last evaluated: 2024-10-24. Review status: criteria provided, single submitter. Criteria: Invitae Variant Classification Sherloc (09022015). Collection method: clinical testing. Allele origin: germline.
Comment: This sequence change replaces alanine, which is neutral and non-polar, with valine, which is neutral and non-polar, at codon 466 of the FERMT1 protein (p.Ala466Val). This variant is present in population databases (rs777735943, gnomAD 0.007%). This variant has not been reported in the literature in individuals affected with FERMT1-related conditions. ClinVar contains an entry for this variant (Variation ID: 1396440). Invitae Evidence Modeling of protein sequence and biophysical properties (such as structural, functional, and spatial information, amino acid conservation, physicochemical variation, residue mobility, and thermodynamic stability) indicates that this missense variant is expected to disrupt FERMT1 protein function with a positive predictive value of 80%. In summary, the available evidence is currently insufficient to determine the role of this variant in disease. Therefore, it has been classified as a Variant of Uncertain Significance.